The following is an entry in ClinVar:

NM_014908.4(DOLK):c.1267C>T (p.Pro423Ser)

Gene: DOLK (dolichol kinase; minus strand). Cytogenetic location: 9q34.11.
Variant type: single nucleotide variant.
Coding change: c.1267C>T on transcript NM_014908.4 (MANE Select); coding-DNA position 1267, C replaced by T.
Protein change: p.Pro423Ser; replaces proline 423 with serine.
Molecular consequence: missense variant.
Genome position (GRCh38, 1-based): chr9:128,946,037, G>A on the plus strand (C>T on the coding strand, the complement: DOLK is on the minus strand). VCF-style: chr9-128946037-G-A. GRCh37 (hg19) VCF-style: chr9-131708316-G-A.
Other names: short protein forms P423S.
Identifiers: ClinVar variation 1019186 (VCV001019186.9), dbSNP rs1354312358, ClinGen allele CA375118433.

ClinVar aggregate classification (germline): Uncertain significance (1 of 4 stars; one submission).

Conditions:
DK1-congenital disorder of glycosylation. Also called: DOLK-congenital disorder of glycosylation; Carbohydrate deficient glycoprotein syndrome type 1m; CONGENITAL DISORDER OF GLYCOSYLATION, TYPE Im; DK1-CDG; CDG Im; DK1 DEFICIENCY. Identifiers: Orphanet 91131, MedGen C1835849, MONDO:0012556, OMIM 610768.

Allele frequency attached by ClinVar (database versions not stated): gnomAD exomes below 0.00001.

Submission:

Labcorp Genetics (formerly Invitae), Labcorp
Classification: Uncertain significance for DK1-congenital disorder of glycosylation. Last evaluated: 2021-04-20. Review status: criteria provided, single submitter. Criteria: Invitae Variant Classification Sherloc (09022015). Collection method: clinical testing. Allele origin: germline.
Comment: In summary, the available evidence is currently insufficient to determine the role of this variant in disease. Therefore, it has been classified as a Variant of Uncertain Significance. Algorithms developed to predict the effect of missense changes on protein structure and function are either unavailable or do not agree on the potential impact of this missense change (SIFT: "Tolerated"; PolyPhen-2: "Probably Damaging"; Align-GVGD: "Class C0"). This variant has not been reported in the literature in individuals with DOLK-related conditions. This variant is not present in population databases (ExAC no frequency). This sequence change replaces proline with serine at codon 423 of the DOLK protein (p.Pro423Ser). The proline residue is highly conserved and there is a moderate physicochemical difference between proline and serine.